The following is an entry in ClinVar:

ClinVar aggregate classification (germline): Uncertain significance (1 of 4 stars; one submission).

gnomAD v4.1: 2 of 1,599,752 alleles (0.00013%); highest among the groups gnomAD compares: Admixed American, 0.0034%; no homozygotes.

Submission:

Labcorp Genetics (formerly Invitae), Labcorp
Classification: Uncertain significance. Last evaluated: 2021-08-19. Review status: criteria provided, single submitter. Criteria: Invitae Variant Classification Sherloc (09022015). Collection method: clinical testing. Allele origin: germline.
Comment: In summary, the available evidence is currently insufficient to determine the role of this variant in disease. Therefore, it has been classified as a Variant of Uncertain Significance. Algorithms developed to predict the effect of missense changes on protein structure and function are either unavailable or do not agree on the potential impact of this missense change (SIFT: "Tolerated"; PolyPhen-2: "Probably Damaging"; Align-GVGD: "Class C0"). This variant has not been reported in the literature in individuals affected with SPEG-related conditions. This variant is present in population databases (rs565990660, ExAC 0.01%). This sequence change replaces arginine with glycine at codon 3247 of the SPEG protein (p.Arg3247Gly). The arginine residue is highly conserved and there is a moderate physicochemical difference between arginine and glycine.

NM_005876.5(SPEG):c.9739C>G (p.Arg3247Gly)

Genes: ASIC4-AS1 (ASIC4 antisense RNA 1; minus strand), SPEG (striated muscle enriched protein kinase; plus strand). Cytogenetic location: 2q35.
Variant type: single nucleotide variant.
Coding change: c.9739C>G on transcript NM_005876.5 (MANE Select); coding-DNA position 9739, C replaced by G.
Protein change: p.Arg3247Gly; replaces arginine 3247 with glycine.
Molecular consequence: missense variant.
Genome position (GRCh38, 1-based): chr2:219,492,721, C>G. VCF-style: chr2-219492721-C-G. GRCh37 (hg19) VCF-style: chr2-220357443-C-G.
Other names: short protein forms R3247G.
Identifiers: ClinVar variation 1376091 (VCV001376091.6), dbSNP rs565990660, ClinGen allele CA2127861.